The following is an entry in ClinVar:

ClinVar aggregate classification (germline): Uncertain significance (1 of 4 stars; one submission).

Conditions:
Autoimmune lymphoproliferative syndrome type 2B. Also called: AUTOIMMUNE LYMPHOPROLIFERATIVE SYNDROME, TYPE IIB. Identifiers: Orphanet 275517, MedGen C1846545, MONDO:0011804, OMIM 607271.

Allele frequency attached by ClinVar (database versions not stated): gnomAD exomes below 0.00001 and 0.00001.
gnomAD v4.1: 12 of 1,613,692 alleles (0.00074%); highest among the groups gnomAD compares: Admixed American, 0.0017%; no homozygotes.

Submission:

Baylor Genetics
Classification: Uncertain significance for Autoimmune lymphoproliferative syndrome type 2B. Last evaluated: 2020-05-06. Review status: criteria provided, single submitter. Criteria: ACMG Guidelines, 2015. Collection method: clinical testing. Allele origin: unknown. Affected: yes.
Comment: This variant was determined to be of uncertain significance according to ACMG Guidelines, 2015 [PMID:25741868].

NM_001372051.1(CASP8):c.1430C>T (p.Pro477Leu)

Gene: CASP8 (caspase 8; plus strand). Cytogenetic location: 2q33.1.
Variant type: single nucleotide variant.
Coding change: c.1430C>T on transcript NM_001372051.1 (MANE Select); coding-DNA position 1430, C replaced by T.
Protein change: p.Pro477Leu; replaces proline 477 with leucine.
Molecular consequence: missense variant. On other transcripts: non-coding transcript variant (22).
Genome position (GRCh38, 1-based): chr2:201,286,584, C>T. VCF-style: chr2-201286584-C-T. GRCh37 (hg19) VCF-style: chr2-202151307-C-T.
Other names: c.1385C>T, p.Pro462Leu (NM_001080124.2, NM_001400658.1, NM_001400659.1 and 5 more transcripts); c.1430C>T, p.Pro477Leu (NM_001400657.1, NM_001400651.1, NM_001400653.1 and 5 more transcripts); c.1361C>T, p.Pro454Leu (NM_001400664.1); c.1355C>T, p.Pro452Leu (NM_001400665.1); c.1223C>T, p.Pro408Leu (NM_001400666.1); c.1178C>T, p.Pro393Leu (NM_001400667.1, NM_001400668.1); c.1607C>T, p.Pro536Leu (NM_001080125.2); c.1481C>T, p.Pro494Leu (NM_001228.5); and 7 more; short protein forms P494L, P536L, P477L, P462L, P263L, P272L, P278L, P328L.
Identifiers: ClinVar variation 1029015 (VCV001029015.1), dbSNP rs1294147397, ClinGen allele CA350304353.